The following is an entry in ClinVar:

ClinVar aggregate classification (germline): Likely benign. Review status: criteria provided, multiple submitters, no conflicts (2 of 4 stars). 3 submissions from 3 submitters: Likely benign (3). Last evaluated 2025-12-14.

Conditions:
Loeys-Dietz syndrome 2 (LDS2). Also called: TGFBR2-Related Loeys-Dietz Syndrome; Marfan Syndrome type 2; Marfan like connective tissue disorder; MFS 2; AORTIC ANEURYSM, FAMILIAL THORACIC 3; MARFAN SYNDROME, TYPE II. Identifiers: Orphanet 284973, Orphanet 558, MedGen C2674574, MONDO:0012427, OMIM 610168.

Allele frequency attached by ClinVar (database versions not stated): ExAC 0.00002; gnomAD exomes 0.00002 and 0.00003; gnomAD 0.00003; TOPMed 0.00005; ESP Exome Variant Server 0.00008.
gnomAD v4.1: 53 of 1,614,054 alleles (0.0033%); highest among the groups gnomAD compares: Non-Finnish European, 0.0041%; no homozygotes.

Submissions (3):

Labcorp Genetics (formerly Invitae), Labcorp
Classification: Likely benign for Loeys-Dietz syndrome 2. Last evaluated: 2025-12-14. Review status: criteria provided, single submitter. Criteria: Invitae Variant Classification Sherloc (09022015). Collection method: clinical testing. Allele origin: germline.

Ambry Genetics
Classification: Likely benign. Last evaluated: 2023-01-05. Review status: criteria provided, single submitter. Criteria: Ambry Variant Classification Scheme 2023. Collection method: clinical testing. Allele origin: germline.

Laboratory for Molecular Medicine, Mass General Brigham Personalized Medicine
Classification: Likely benign. Last evaluated: 2012-03-19. Review status: criteria provided, single submitter. Criteria: LMM Criteria. Collection method: clinical testing. Allele origin: germline. Observed: 1 variant allele.
Comment: Ser294Ser in exon 4 of TMPO: This variant is not expected to have clinical signi ficance because it does not alter an amino acid residue and is not located withi n the splice consensus sequence. It has been identified in 1/7020 European Ameri can chromosomes from a broad population by the NHLBI Exome Sequencing Project. Ser294Ser in exon 4 of TMPO (allele frequency = 1/7020) **

NM_001032283.3(TMPO):c.565+1301A>G

Gene: TMPO (thymopoietin; plus strand). Cytogenetic location: 12q23.1.
Variant type: single nucleotide variant.
Coding change: c.565+1301A>G on transcript NM_001032283.3 (MANE Select); 1301 bases into the intron after coding-DNA position 565, A replaced by G.
Molecular consequence: intron variant. On other transcripts: synonymous variant (1).
Genome position (GRCh38, 1-based): chr12:98,533,139, A>G. VCF-style: chr12-98533139-A-G. GRCh37 (hg19) VCF-style: chr12-98926917-A-G.
Other names: c.882A>G, p.Ser294= (NM_003276.2); c.565+1301A>G (NM_001307975.2, NM_001032284.3).
Identifiers: ClinVar variation 44675 (VCV000044675.16), dbSNP rs375249647, ClinGen allele CA134840.